The following is an entry in ClinVar:

ClinVar aggregate classification (germline): Benign (1 of 4 stars; one submission).

Allele frequency attached by ClinVar (database versions not stated): 1000 Genomes Project 30x 0.00031; 1000 Genomes Project 0.00060; TOPMed 0.00328; gnomAD 0.00382; gnomAD exomes 0.00492.

Submission:

CeGaT Center for Human Genetics Tuebingen
Classification: Benign. Last evaluated: 2022-08-01. Review status: criteria provided, single submitter. Criteria: CeGaT Center For Human Genetics Tuebingen Variant Classification Criteria Version 2. Collection method: clinical testing. Allele origin: germline. Affected: yes. Observed: 2 variant alleles.
Comment: TFAP2A: BS1, BS2

NC_000006.12:g.10419759G>C

Gene: TFAP2A (transcription factor AP-2 alpha; minus strand). Cytogenetic location: 6p24.3.
Variant type: single nucleotide variant.
Genome position: GRCh38 VCF-style: chr6-10419759-G-C. GRCh37 (hg19) VCF-style: chr6-10419992-G-C.
Identifiers: ClinVar variation 2656221 (VCV002656221.22), dbSNP rs541206956, ClinGen allele CA134064149.